The following is an entry in ClinVar:

NM_198253.3(TERT):c.503A>G (p.Tyr168Cys)

Gene: TERT (telomerase reverse transcriptase; minus strand). Cytogenetic location: 5p15.33.
Variant type: single nucleotide variant.
Coding change: c.503A>G on transcript NM_198253.3 (MANE Select); coding-DNA position 503, A replaced by G.
Protein change: p.Tyr168Cys; replaces tyrosine 168 with cysteine.
Molecular consequence: missense variant. On other transcripts: non-coding transcript variant (2).
Genome position (GRCh38, 1-based): chr5:1,294,383, T>C on the plus strand (A>G on the coding strand, the complement: TERT is on the minus strand). VCF-style: chr5-1294383-T-C. GRCh37 (hg19) VCF-style: chr5-1294498-T-C.
Other names: c.503A>G, p.Tyr168Cys (NM_001193376.3); short protein forms Y168C.
Identifiers: ClinVar variation 3455221 (VCV003455221.1).

ClinVar aggregate classification (germline): Uncertain significance (1 of 4 stars; one submission).

Conditions:
Dyskeratosis congenita. Identifiers: Orphanet 1775, MedGen C0265965, MONDO:0015780.

Submission:

Ambry Genetics
Classification: Uncertain significance for Dyskeratosis congenita. Last evaluated: 2024-11-20. Review status: criteria provided, single submitter. Criteria: Ambry Variant Classification Scheme 2023. Collection method: clinical testing. Allele origin: germline.
Comment: The p.Y168C variant (also known as c.503A>G), located in coding exon 2 of the TERT gene, results from an A to G substitution at nucleotide position 503. The tyrosine at codon 168 is replaced by cysteine, an amino acid with highly dissimilar properties. This amino acid position is conserved. In addition, this alteration is predicted to be deleterious by in silico analysis. Based on the available evidence, the clinical significance of this variant remains unclear.